The following is an entry in ClinVar:

NM_022552.5(DNMT3A):c.2542T>A (p.Phe848Ile)

Gene: DNMT3A (DNA methyltransferase 3 alpha; minus strand). Cytogenetic location: 2p23.3.
Variant type: single nucleotide variant.
Coding change: c.2542T>A on transcript NM_022552.5 (MANE Select); coding-DNA position 2542, T replaced by A.
Protein change: p.Phe848Ile; replaces phenylalanine 848 with isoleucine.
Molecular consequence: missense variant. On other transcripts: non-coding transcript variant (1).
Genome position (GRCh38, 1-based): chr2:25,235,762, A>T on the plus strand (T>A on the coding strand, the complement: DNMT3A is on the minus strand). VCF-style: chr2-25235762-A-T. GRCh37 (hg19) VCF-style: chr2-25458631-A-T.
Other names: c.2086T>A, p.Phe696Ile (NM_001320893.1); c.1873T>A, p.Phe625Ile (NM_001375819.1); c.1975T>A, p.Phe659Ile (NM_153759.3); c.2542T>A, p.Phe848Ile (NM_175629.2); short protein forms F625I, F659I, F848I, F696I.
Identifiers: ClinVar variation 4827671 (VCV004827671.1).

ClinVar aggregate classification (germline): Uncertain significance (1 of 4 stars; one submission).

Conditions:
Inborn genetic diseases. Identifiers: MedGen C0950123, MeSH D030342.

Submission:

Ambry Genetics
Classification: Uncertain significance for Inborn genetic diseases. Last evaluated: 2026-03-03. Review status: criteria provided, single submitter. Criteria: Ambry Variant Classification Scheme 2023. Collection method: clinical testing. Allele origin: germline.
Comment: The p.F848I variant (also known as c.2542T>A), located in coding exon 21 of the DNMT3A gene, results from a T to A substitution at nucleotide position 2542. The phenylalanine at codon 848 is replaced by isoleucine, an amino acid with highly similar properties. This amino acid position is conserved. In addition, this alteration is predicted to be deleterious by in silico analysis. Based on the available evidence, the clinical significance of this variant remains unclear.